The following is an entry in ClinVar:

ClinVar aggregate classification (germline): Conflicting classifications of pathogenicity. Review status: criteria provided, conflicting classifications (1 of 4 stars). 2 submissions from 2 submitters: Likely pathogenic (1); Uncertain significance (1). Last evaluated 2025-09-24.

Conditions:
Neurodevelopmental disorder with hypotonia and variable intellectual and behavioral abnormalities. Identifiers: MedGen C5231423, MONDO:0032829, OMIM 618603.

Submissions (2):

Genesolutions, Medical Genetics Institutes, Ho Chi Minh City, Vietnam
Classification: Uncertain significance for Neurodevelopmental disorder with hypotonia and variable intellectual and behavioral abnormalities. Last evaluated: 2025-09-24. Review status: criteria provided, single submitter. Criteria: ACMG Guidelines, 2015. Collection method: clinical testing. Allele origin: germline. Affected: yes.

Laboratory of Medical Genetics, National & Kapodistrian University of Athens
Classification: Likely pathogenic for Neurodevelopmental disorder with hypotonia and variable intellectual and behavioral abnormalities. Last evaluated: 2022-09-14. Review status: criteria provided, single submitter. Criteria: ACMG Guidelines, 2015. Collection method: clinical testing. Allele origin: de novo. Affected: yes.
Comment: PS2, PM2, PP3

NM_000937.5(POLR2A):c.778G>A (p.Val260Met)

Gene: POLR2A (RNA polymerase II subunit A; plus strand). Cytogenetic location: 17p13.1.
Variant type: single nucleotide variant.
Coding change: c.778G>A on transcript NM_000937.5 (MANE Select); coding-DNA position 778, G replaced by A.
Protein change: p.Val260Met; replaces valine 260 with methionine.
Molecular consequence: missense variant.
Genome position (GRCh38, 1-based): chr17:7,497,004, G>A. VCF-style: chr17-7497004-G-A. GRCh37 (hg19) VCF-style: chr17-7400323-G-A.
Other names: short protein forms V260M.
Identifiers: ClinVar variation 1708063 (VCV001708063.2), dbSNP rs887367647, ClinGen allele CA287471984.